The following is an entry in ClinVar:

ClinVar aggregate classification (germline): Likely pathogenic. Review status: criteria provided, multiple submitters, no conflicts (2 of 4 stars). 3 submissions from 3 submitters: Likely pathogenic (2). 1 of the submissions does not count toward it. Last evaluated 2020-04-23.

Conditions:
Retinitis pigmentosa (RP). Identifiers: Orphanet 791, MedGen C0035334, MeSH D012174, MONDO:0019200, OMIM 268000. Inheritance: Autosomal dominant, autosomal recessive and X linked inheritance.
Hereditary sensory and autonomic neuropathy. Identifiers: Orphanet 140471, MedGen C0027889, MONDO:0015364.
Posterior column ataxia-retinitis pigmentosa syndrome (RETSNS). Also called: RETINOPATHY-SENSORY NEUROPATHY SYNDROME. Identifiers: Orphanet 88628, MedGen C1836916, MONDO:0012177, OMIM 609033.
FLVCR1-related disorders.

Submissions (3):

Heon Lab, The Hospital for Sick Children
Classification: Likely pathogenic for Retinitis pigmentosa; Hereditary sensory and autonomic neuropathy. Last evaluated: 2020-04-23. Review status: criteria provided, single submitter. Criteria: ACMG Guidelines, 2015. Collection method: research. Allele origin: germline. Inheritance: Autosomal recessive inheritance. Affected: yes.
Comment: The reported mutation in trans with NM_014053.3: c.3G>T; p.(Met1?) causes retinitis pigmentosa with hereditary sensory autonomic neuropathy in autosomal recessive mode.

Blueprint Genetics
Classification: Likely pathogenic for FLVCR1-related disorders. Last evaluated: 2019-10-17. Review status: criteria provided, single submitter. Criteria: ACMG Guidelines, 2015. Collection method: clinical testing. Allele origin: germline. Affected: yes. Observed: 1 variant allele.

OMIM
Classification: Pathogenic for RETINOPATHY-SENSORY NEUROPATHY SYNDROME. Last evaluated: 2025-01-21. Review status: no assertion criteria provided. Collection method: literature only. Allele origin: germline. Not counted in ClinVar's aggregate classification.

Literature cited by the submitters: PubMed 32822874 (cited by OMIM).

NM_014053.4(FLVCR1):c.730G>A (p.Gly244Ser)

Gene: FLVCR1 (FLVCR choline and heme transporter 1; plus strand). Cytogenetic location: 1q32.3.
Variant type: single nucleotide variant.
Coding change: c.730G>A on transcript NM_014053.4 (MANE Select); coding-DNA position 730, G replaced by A.
Protein change: p.Gly244Ser; replaces glycine 244 with serine.
Molecular consequence: missense variant.
Genome position (GRCh38, 1-based): chr1:212,859,182, G>A. VCF-style: chr1-212859182-G-A. GRCh37 (hg19) VCF-style: chr1-213032524-G-A.
Other names: short protein forms G244S.
Identifiers: ClinVar variation 916537 (VCV000916537.5), dbSNP rs1664140651, ClinGen allele CA344797672.